The following is an entry in ClinVar:

NM_000742.4(CHRNA2):c.235A>G (p.Asn79Asp)

Gene: CHRNA2 (cholinergic receptor nicotinic alpha 2 subunit; minus strand). Cytogenetic location: 8p21.2.
Variant type: single nucleotide variant.
Coding change: c.235A>G on transcript NM_000742.4 (MANE Select); coding-DNA position 235, A replaced by G.
Protein change: p.Asn79Asp; replaces asparagine 79 with aspartic acid.
Molecular consequence: missense variant. On other transcripts: 5 prime UTR variant (4).
Genome position (GRCh38, 1-based): chr8:27,469,820, T>C on the plus strand (A>G on the coding strand, the complement: CHRNA2 is on the minus strand). VCF-style: chr8-27469820-T-C. GRCh37 (hg19) VCF-style: chr8-27327337-T-C.
Other names: c.235A>G, p.Asn79Asp (NM_001282455.2); c.-193A>G (NM_001347705.2); c.-238A>G (NM_001347706.2); c.-179A>G (NM_001347707.2); c.-227A>G (NM_001347708.2); short protein forms N79D.
Identifiers: ClinVar variation 1023939 (VCV001023939.1), dbSNP rs1812814993, ClinGen allele CA370812955.

ClinVar aggregate classification (germline): Uncertain significance (1 of 4 stars; one submission).

Conditions:
Familial sleep-related hypermotor epilepsy. Also called: Autosomal Dominant Sleep-Related Hypermotor (Hyperkinetic) Epilepsy. Identifiers: Orphanet 98784, MedGen C3696898, MONDO:0000030.

Submission:

Labcorp Genetics (formerly Invitae), Labcorp
Classification: Uncertain significance. Last evaluated: 2020-09-02. Review status: criteria provided, single submitter. Criteria: Invitae Variant Classification Sherloc (09022015). Collection method: clinical testing. Allele origin: germline.
Comment: This sequence change replaces asparagine with aspartic acid at codon 79 of the CHRNA2 protein (p.Asn79Asp). The asparagine residue is highly conserved and there is a small physicochemical difference between asparagine and aspartic acid. This variant is not present in population databases (ExAC no frequency). This variant has not been reported in the literature in individuals with CHRNA2-related conditions. Advanced modeling of protein sequence and biophysical properties (such as structural, functional, and spatial information, amino acid conservation, physicochemical variation, residue mobility, and thermodynamic stability) performed at Invitae indicates that this missense variant is not expected to disrupt CHRNA2 protein function. In summary, the available evidence is currently insufficient to determine the role of this variant in disease. Therefore, it has been classified as a Variant of Uncertain Significance.